The following is an entry in ClinVar:

ClinVar aggregate classification (germline): Uncertain significance. Review status: criteria provided, multiple submitters, no conflicts (2 of 4 stars). 2 submissions from 2 submitters: Uncertain significance (2). Last evaluated 2022-08-10.

Conditions:
Hereditary cancer-predisposing syndrome. Also called: Tumor predisposition; Hereditary Cancer Syndrome; Neoplastic Syndromes, Hereditary; Hereditary neoplastic syndrome. Identifiers: Orphanet 140162, MedGen C0027672, MeSH D009386, MONDO:0015356.
Ataxia-telangiectasia-like disorder (ATLD). Identifiers: MedGen C1858391, MONDO:0011457.

Submissions (2):

Labcorp Genetics (formerly Invitae), Labcorp
Classification: Uncertain significance for Ataxia-telangiectasia-like disorder. Last evaluated: 2022-08-10. Review status: criteria provided, single submitter. Criteria: Invitae Variant Classification Sherloc (09022015). Collection method: clinical testing. Allele origin: germline.
Comment: This sequence change replaces valine, which is neutral and non-polar, with isoleucine, which is neutral and non-polar, at codon 280 of the MRE11 protein (p.Val280Ile). This variant is not present in population databases (gnomAD no frequency). This variant has not been reported in the literature in individuals affected with MRE11-related conditions. ClinVar contains an entry for this variant (Variation ID: 822371). Algorithms developed to predict the effect of missense changes on protein structure and function output the following: SIFT: "Tolerated"; PolyPhen-2: "Benign"; Align-GVGD: "Class C0". The isoleucine amino acid residue is found in multiple mammalian species, which suggests that this missense change does not adversely affect protein function. In summary, the available evidence is currently insufficient to determine the role of this variant in disease. Therefore, it has been classified as a Variant of Uncertain Significance.

Ambry Genetics
Classification: Uncertain significance for Hereditary cancer-predisposing syndrome. Last evaluated: 2019-05-09. Review status: criteria provided, single submitter. Criteria: Ambry Variant Classification Scheme 2023. Collection method: clinical testing. Allele origin: germline.
Comment: The p.V280I variant (also known as c.838G>A), located in coding exon 7 of the MRE11A gene, results from a G to A substitution at nucleotide position 838. The valine at codon 280 is replaced by isoleucine, an amino acid with highly similar properties. This amino acid position is not well conserved in available vertebrate species. In addition, this alteration is predicted to be tolerated by in silico analysis. Since supporting evidence is limited at this time, the clinical significance of this alteration remains unclear.

NM_005591.4(MRE11):c.838G>A (p.Val280Ile)

Gene: MRE11 (MRE11 double strand break repair nuclease; minus strand). Cytogenetic location: 11q21.
Variant type: single nucleotide variant.
Coding change: c.838G>A on transcript NM_005591.4 (MANE Select); coding-DNA position 838, G replaced by A.
Protein change: p.Val280Ile; replaces valine 280 with isoleucine.
Molecular consequence: missense variant.
Genome position (GRCh38, 1-based): chr11:94,471,581, C>T on the plus strand (G>A on the coding strand, the complement: MRE11 is on the minus strand). VCF-style: chr11-94471581-C-T. GRCh37 (hg19) VCF-style: chr11-94204747-C-T.
Other names: c.838G>A, p.Val280Ile (NM_001330347.2, NM_005590.4); short protein forms V280I.
Identifiers: ClinVar variation 822371 (VCV000822371.9), dbSNP rs755762623, ClinGen allele CA382375461.